The following is an entry in ClinVar:

NM_001754.5(RUNX1):c.430C>T (p.Leu144=)

Genes: RUNX1-AS1 (RUNX1 antisense RNA 1; plus strand), RUNX1 (RUNX family transcription factor 1; minus strand). Cytogenetic location: 21q22.12.
Variant type: single nucleotide variant.
Coding change: c.430C>T on transcript NM_001754.5 (MANE Select); coding-DNA position 430, C replaced by T.
Protein change: p.Leu144=; no amino-acid change (leucine 144 retained).
Molecular consequence: synonymous variant.
Genome position (GRCh38, 1-based): chr21:34,880,635, G>A on the plus strand (C>T on the coding strand, the complement: RUNX1 is on the minus strand). VCF-style: chr21-34880635-G-A. GRCh37 (hg19) VCF-style: chr21-36252932-G-A.
Other names: NM_001754.5(RUNX1):c.430C>T; p.Leu144=; c.349C>T, p.Leu117= (NM_001001890.3, NM_001122607.2).
Identifiers: ClinVar variation 2879097 (VCV002879097.6), dbSNP rs2146362172, ClinGen allele CA512318734.

ClinVar aggregate classification (germline): Likely benign. Review status: reviewed by expert panel (3 of 4 stars). 2 submissions from 2 submitters: Likely benign (1). 1 of the submissions does not count toward it. Last evaluated 2026-05-04.

Conditions:
Hereditary thrombocytopenia and hematological cancer predisposition syndrome associated with RUNX1. Also called: Familial Platelet Disorder with Propensity to Acute Myelogenous Leukemia; Familial thrombocytopenia with propensity to acute myelogenous leukemia; PLATELET DISORDER, ASPIRIN-LIKE; RUNX1 Familial Platelet Disorder with Associated Myeloid Malignancies. Identifiers: Orphanet 71290, MedGen C1832388, MeSH C563324, MONDO:0100083, OMIM 601399.
Hereditary thrombocytopenia and hematologic cancer predisposition syndrome. Identifiers: Orphanet 71290, MedGen CN281654, MONDO:0011071.

Submissions (2):

ClinGen Myeloid Malignancy Variant Curation Expert Panel
Classification: Likely benign for Hereditary thrombocytopenia and hematologic cancer predisposition syndrome. Last evaluated: 2026-05-04. Review status: reviewed by expert panel. Criteria: ClinGen MyeloMalig ACMG Specifications V3.1. Collection method: curation. Allele origin: germline. Inheritance: Autosomal dominant inheritance.
Comment: NM_001754.5(RUNX1):c.430C>T (p.Leu144=) is a synonymous variant which has a SpliceAI score ≤ 0.20 (0.00) (BP4, BP7). This variant is completely absent from all population databases with at least 20x coverage for RUNX1 (PM2_supporting). In summary, this variant meets criteria to be classified as likely benign. ACMG/AMP criteria applied, as specified by the Myeloid Malignancy Variant Curation Expert Panel for RUNX1: BP4, BP7, PM2_supporting.

Labcorp Genetics (formerly Invitae), Labcorp
Classification: Likely benign for Hereditary thrombocytopenia and hematological cancer predisposition syndrome associated with RUNX1. Last evaluated: 2023-05-24. Review status: criteria provided, single submitter. Criteria: Invitae Variant Classification Sherloc (09022015). Collection method: clinical testing. Allele origin: germline. Not counted in ClinVar's aggregate classification.